The following is an entry in ClinVar:

ClinVar aggregate classification (germline): Uncertain significance (1 of 4 stars; one submission).

Submission:

Labcorp Genetics (formerly Invitae), Labcorp
Classification: Uncertain significance. Last evaluated: 2025-02-10. Review status: criteria provided, single submitter. Criteria: Invitae Variant Classification Sherloc (09022015). Collection method: clinical testing. Allele origin: germline.
Comment: This sequence change creates a premature translational stop signal (p.Val651Argfs*16) in the ITGAM gene. It is expected to result in an absent or disrupted protein product. However, the current clinical and genetic evidence is not sufficient to establish whether loss-of-function variants in ITGAM cause disease. This variant is not present in population databases (gnomAD no frequency). This variant has not been reported in the literature in individuals affected with ITGAM-related conditions. Algorithms developed to predict the effect of sequence changes on RNA splicing suggest that this variant may disrupt the consensus splice site. In summary, the available evidence is currently insufficient to determine the role of this variant in disease. Therefore, it has been classified as a Variant of Uncertain Significance.

NM_000632.4(ITGAM):c.1949_1950dup (p.Val651fs)

Gene: ITGAM (integrin subunit alpha M; plus strand). Cytogenetic location: 16p11.2.
Variant type: Microsatellite.
Coding change: c.1949_1950dup on transcript NM_000632.4 (MANE Select); coding-DNA positions 1949 to 1950, 2 bases duplicated (AG; older notation c.1949_1950dupAG).
Protein change: p.Val651fs; shifts the reading frame from valine 651.
Molecular consequence: frameshift variant.
Genome position (GRCh38, 1-based): chr16:31,321,574-31,321,575, AG duplicated; duplicating any 2 consecutive bases within chr16:31,321,571-31,321,575 gives the same sequence; the c. name uses the placement nearest the transcript's 3' end. VCF-style (leftmost placement, unchanged base first): chr16-31321570-G-GGA. GRCh37 (hg19) VCF-style: chr16-31332891-G-GGA.
Other names: c.1952_1953dup, p.Val652fs (NM_001145808.2); short protein forms V651fs, V652fs.
Identifiers: ClinVar variation 4780159 (VCV004780159.1).